The following is an entry in ClinVar:

NM_002878.4(RAD51D):c.667+2T>C

Genes: RAD51D (RAD51 paralog D; minus strand), RAD51L3-RFFL (RAD51L3-RFFL readthrough; minus strand). Cytogenetic location: 17q12.
Variant type: single nucleotide variant.
Coding change: c.667+2T>C on transcript NM_002878.4 (MANE Select); the canonical splice donor site of the intron after coding-DNA position 667, T replaced by C.
Molecular consequence: splice donor variant.
Genome position (GRCh38, 1-based): chr17:35,103,452, A>G on the plus strand (T>C on the coding strand, the complement: RAD51D is on the minus strand). VCF-style: chr17-35103452-A-G. GRCh37 (hg19) VCF-style: chr17-33430471-A-G.
Other names: c.331+2T>C (NM_133629.3); c.727+2T>C (NM_001142571.2).
Identifiers: ClinVar variation 2074258 (VCV002074258.5), dbSNP rs2142420150, ClinGen allele CA399087820.
Genomic context (GRCh38, chr17:35,103,452, plus strand): 5'-GACTCCAGAGCTGGGAGGCGAGGTCACATTCCACTGGCCCCAGGCTCTGCCACATCACTC[A>G]CCTTCCCTCTGCTGACCTCCCAGAAGTGGGGAAACCACCGCAGTGACCGAGTCCACAACC-3'

ClinVar aggregate classification (germline): Conflicting classifications of pathogenicity. Review status: criteria provided, conflicting classifications (1 of 4 stars). 2 submissions from 2 submitters: Likely pathogenic (1); Uncertain significance (1). Last evaluated 2024-06-26.

Conditions:
Breast-ovarian cancer, familial, susceptibility to, 4. Identifiers: Orphanet 145, MedGen C3280345, MONDO:0013669, OMIM 614291.

Submissions (2):

Myriad Genetics, Inc.
Classification: Likely pathogenic for Breast-ovarian cancer, familial, susceptibility to, 4. Last evaluated: 2024-06-26. Review status: criteria provided, single submitter. Criteria: Myriad Autosomal Dominant, Autosomal Recessive and X-Linked Classification Criteria (2023). Collection method: clinical testing. Allele origin: unknown.
Comment: This variant is considered likely pathogenic. This variant occurs within a consensus splice junction and is predicted to result in abnormal mRNA splicing of either an out-of-frame exon or an in-frame exon necessary for protein stability and/or normal function.

Labcorp Genetics (formerly Invitae), Labcorp
Classification: Uncertain significance for Breast-ovarian cancer, familial, susceptibility to, 4. Last evaluated: 2022-08-15. Review status: criteria provided, single submitter. Criteria: Invitae Variant Classification Sherloc (09022015). Collection method: clinical testing. Allele origin: germline.
Comment: In summary, the available evidence is currently insufficient to determine the role of this variant in disease. Therefore, it has been classified as a Variant of Uncertain Significance. Studies have shown that disruption of this splice site is associated with altered splicing resulting in multiple RNA products (Invitae). This variant has not been reported in the literature in individuals affected with RAD51D-related conditions. This variant is not present in population databases (gnomAD no frequency). This sequence change affects a donor splice site in intron 7 of the RAD51D gene. It is expected to disrupt RNA splicing. Variants that disrupt the donor or acceptor splice site typically lead to a loss of protein function (PMID: 16199547), and loss-of-function variants in RAD51D are known to be pathogenic (PMID: 21822267).

Literature cited by the submitters: PubMed 16199547 (cited by Labcorp Genetics (formerly Invitae), Labcorp); PubMed 21822267 (cited by Labcorp Genetics (formerly Invitae), Labcorp).